The following is an entry in ClinVar:

NM_182914.3(SYNE2):c.2348T>C (p.Leu783Pro)

Gene: SYNE2 (spectrin repeat containing nuclear envelope protein 2; plus strand). Cytogenetic location: 14q23.2.
Variant type: single nucleotide variant.
Coding change: c.2348T>C on transcript NM_182914.3 (MANE Select); coding-DNA position 2348, T replaced by C.
Protein change: p.Leu783Pro; replaces leucine 783 with proline.
Molecular consequence: missense variant.
Genome position (GRCh38, 1-based): chr14:63,990,445, T>C. VCF-style: chr14-63990445-T-C. GRCh37 (hg19) VCF-style: chr14-64457163-T-C.
Other names: c.2348T>C, p.Leu783Pro (NM_015180.6); short protein forms L783P.
Identifiers: ClinVar variation 1003236 (VCV001003236.8), dbSNP rs755334815, ClinGen allele CA7219671.

ClinVar aggregate classification (germline): Uncertain significance (1 of 4 stars; one submission).

Conditions:
Emery-Dreifuss muscular dystrophy 5, autosomal dominant (EDMD5). Also called: EMERY-DREIFUSS MUSCULAR DYSTROPHY 5. Identifiers: Orphanet 261, MedGen C2751805, MONDO:0013072, OMIM 612999.

Allele frequency attached by ClinVar (database versions not stated): ExAC 0.00001; gnomAD 0.00001; gnomAD exomes 0.00001.
gnomAD v4.1: 19 of 1,613,410 alleles (0.0012%); highest among the groups gnomAD compares: Middle Eastern, 0.018%; no homozygotes.

Submission:

Labcorp Genetics (formerly Invitae), Labcorp
Classification: Uncertain significance for Emery-Dreifuss muscular dystrophy 5, autosomal dominant. Last evaluated: 2022-07-19. Review status: criteria provided, single submitter. Criteria: Invitae Variant Classification Sherloc (09022015). Collection method: clinical testing. Allele origin: germline.
Comment: In summary, the available evidence is currently insufficient to determine the role of this variant in disease. Therefore, it has been classified as a Variant of Uncertain Significance. Algorithms developed to predict the effect of missense changes on protein structure and function are either unavailable or do not agree on the potential impact of this missense change (SIFT: "Tolerated"; PolyPhen-2: "Probably Damaging"; Align-GVGD: "Class C0"). ClinVar contains an entry for this variant (Variation ID: 1003236). This variant has not been reported in the literature in individuals affected with SYNE2-related conditions. This variant is present in population databases (rs755334815, gnomAD 0.002%). This sequence change replaces leucine, which is neutral and non-polar, with proline, which is neutral and non-polar, at codon 783 of the SYNE2 protein (p.Leu783Pro).